The following is an entry in ClinVar:

NM_017838.4(NHP2):c.378G>A (p.Val126=)

Genes: NHP2 (NHP2 ribonucleoprotein; minus strand), RMND5B (required for meiotic nuclear division 5 homolog B; plus strand). Cytogenetic location: 5q35.3.
Variant type: single nucleotide variant.
Coding change: c.378G>A on transcript NM_017838.4 (MANE Select); coding-DNA position 378, G replaced by A.
Protein change: p.Val126=; no amino-acid change (valine 126 retained).
Molecular consequence: synonymous variant. On other transcripts: 3 prime UTR variant (3).
Genome position (GRCh38, 1-based): chr5:178,149,797, C>T on the plus strand (G>A on the coding strand, the complement: NHP2 is on the minus strand). VCF-style: chr5-178149797-C-T. GRCh37 (hg19) VCF-style: chr5-177576798-C-T.
Other names: c.272G>A, p.Ter91= (NM_001034833.2); c.506G>A, p.Ter169= (NM_001396110.1); c.*1765C>T (NM_001288794.2, NM_001288795.2, NM_022762.5).
Identifiers: ClinVar variation 1538040 (VCV001538040.28), dbSNP rs1756216301, ClinGen allele CA448002021.

ClinVar aggregate classification (germline): Likely benign. Review status: criteria provided, multiple submitters, no conflicts (2 of 4 stars). 3 submissions from 3 submitters: Likely benign (3). Last evaluated 2025-05-21.

Conditions:
Dyskeratosis congenita. Identifiers: Orphanet 1775, MedGen C0265965, MONDO:0015780.

Allele frequency attached by ClinVar (database versions not stated): gnomAD exomes 0.00003.
gnomAD v4.1: 26 of 1,614,012 alleles (0.0016%); highest among the groups gnomAD compares: Non-Finnish European, 0.0022%; no homozygotes.

Submissions (3):

Labcorp Genetics (formerly Invitae), Labcorp
Classification: Likely benign for Dyskeratosis congenita. Last evaluated: 2025-05-21. Review status: criteria provided, single submitter. Criteria: Invitae Variant Classification Sherloc (09022015). Collection method: clinical testing. Allele origin: germline.

CeGaT Center for Human Genetics Tuebingen
Classification: Likely benign. Last evaluated: 2024-05-01. Review status: criteria provided, single submitter. Criteria: CeGaT Center For Human Genetics Tuebingen Variant Classification Criteria Version 2. Collection method: clinical testing. Allele origin: germline. Affected: yes. Observed: 1 variant allele.
Comment: NHP2: PM2:Supporting, BP4, BP7

Ambry Genetics
Classification: Likely benign for Dyskeratosis congenita. Last evaluated: 2024-02-10. Review status: criteria provided, single submitter. Criteria: Ambry Variant Classification Scheme 2023. Collection method: clinical testing. Allele origin: germline.